The following is an entry in ClinVar:

NM_000094.4(COL7A1):c.1745G>A (p.Arg582His)

Gene: COL7A1 (collagen type VII alpha 1 chain; minus strand). Cytogenetic location: 3p21.31.
Variant type: single nucleotide variant.
Coding change: c.1745G>A on transcript NM_000094.4 (MANE Select); coding-DNA position 1745, G replaced by A.
Protein change: p.Arg582His; replaces arginine 582 with histidine.
Molecular consequence: missense variant.
Genome position (GRCh38, 1-based): chr3:48,590,708, C>T on the plus strand (G>A on the coding strand, the complement: COL7A1 is on the minus strand). VCF-style: chr3-48590708-C-T. GRCh37 (hg19) VCF-style: chr3-48628141-C-T.
Other names: short protein forms R582H.
Identifiers: ClinVar variation 2175318 (VCV002175318.4), dbSNP rs1225279471, ClinGen allele CA352729337.

ClinVar aggregate classification (germline): Uncertain significance. Review status: criteria provided, multiple submitters, no conflicts (2 of 4 stars). 2 submissions from 2 submitters: Uncertain significance (2). Last evaluated 2025-10-30.

Conditions:
Inborn genetic diseases. Identifiers: MedGen C0950123, MeSH D030342.

Allele frequency attached by ClinVar (database versions not stated): TOPMed below 0.00001; gnomAD exomes 0.00001.

Submissions (2):

Ambry Genetics
Classification: Uncertain significance for Inborn genetic diseases. Last evaluated: 2025-10-30. Review status: criteria provided, single submitter. Criteria: Ambry Variant Classification Scheme 2023. Collection method: clinical testing. Allele origin: germline.

Labcorp Genetics (formerly Invitae), Labcorp
Classification: Uncertain significance. Last evaluated: 2024-06-02. Review status: criteria provided, single submitter. Criteria: Invitae Variant Classification Sherloc (09022015). Collection method: clinical testing. Allele origin: germline.
Comment: This sequence change replaces arginine, which is basic and polar, with histidine, which is basic and polar, at codon 582 of the COL7A1 protein (p.Arg582His). This variant is present in population databases (no rsID available, gnomAD 0.002%). This variant has not been reported in the literature in individuals affected with COL7A1-related conditions. ClinVar contains an entry for this variant (Variation ID: 2175318). Advanced modeling of protein sequence and biophysical properties (such as structural, functional, and spatial information, amino acid conservation, physicochemical variation, residue mobility, and thermodynamic stability) performed at Invitae indicates that this missense variant is not expected to disrupt COL7A1 protein function with a negative predictive value of 95%. In summary, the available evidence is currently insufficient to determine the role of this variant in disease. Therefore, it has been classified as a Variant of Uncertain Significance.